The following is an entry in ClinVar:

NM_177973.2(SULT2B1):c.120C>T (p.Pro40=)

Gene: SULT2B1 (sulfotransferase family 2B member 1; plus strand). Cytogenetic location: 19q13.33.
Variant type: single nucleotide variant.
Coding change: c.120C>T on transcript NM_177973.2 (MANE Select); coding-DNA position 120, C replaced by T.
Protein change: p.Pro40=; no amino-acid change (proline 40 retained).
Molecular consequence: synonymous variant.
Genome position (GRCh38, 1-based): chr19:48,575,989, C>T. VCF-style: chr19-48575989-C-T. GRCh37 (hg19) VCF-style: chr19-49079246-C-T.
Other names: c.120C>T (NM_177973.1); c.75C>T, p.Pro25= (NM_004605.2).
Identifiers: ClinVar variation 1613054 (VCV001613054.11), dbSNP rs2544794, ClinGen allele CA9552978.

ClinVar aggregate classification (germline): Benign. Review status: criteria provided, multiple submitters, no conflicts (2 of 4 stars). 3 submissions from 3 submitters: Benign (2). 1 of the submissions does not count toward it. Last evaluated 2026-01-30.

Conditions:
SULT2B1-related disorder. Also called: SULT2B1-related condition.

Allele frequency attached by ClinVar (database versions not stated): ExAC 0.13379; 1000 Genomes Project 30x 0.13492; gnomAD 0.16043 and 0.16388; TOPMed 0.16069; ESP Exome Variant Server 0.18499; gnomAD exomes 0.12975 and 0.15421; 1000 Genomes Project 0.13019.
gnomAD v4.1: 249,704 of 1,613,536 alleles (15%); highest among the groups gnomAD compares: African/African-American, 22%; 20,560 homozygotes.

Submissions (3):

Labcorp Genetics (formerly Invitae), Labcorp
Classification: Benign. Last evaluated: 2026-01-30. Review status: criteria provided, single submitter. Criteria: Invitae Variant Classification Sherloc (09022015). Collection method: clinical testing. Allele origin: germline.

Breakthrough Genomics
Classification: Benign. Review status: criteria provided, single submitter. Criteria: ACMG Guidelines, 2015. Collection method: not provided. Allele origin: germline. Inheritance: Autosomal recessive inheritance. Affected: yes.

PreventionGenetics, part of Exact Sciences
Classification: Benign for SULT2B1-related condition. Last evaluated: 2019-10-22. Review status: no assertion criteria provided. Collection method: clinical testing. Allele origin: germline. Not counted in ClinVar's aggregate classification.
Comment: This variant is classified as benign based on ACMG/AMP sequence variant interpretation guidelines (Richards et al. 2015 PMID: 25741868, with internal and published modifications).